The following is an entry in ClinVar:

ClinVar aggregate classification (germline): Benign/Likely benign. Review status: criteria provided, multiple submitters, no conflicts (2 of 4 stars). 5 submissions from 5 submitters: Benign (2); Likely benign (3). Last evaluated 2026-07-01.

Conditions:
Familial porphyria cutanea tarda (PCT). Also called: PCT, TYPE II; PORPHYRIA CUTANEA TARDA, TYPE II; PORPHYRIA, HEPATOCUTANEOUS TYPE; UROD DEFICIENCY; UROPORPHYRINOGEN DECARBOXYLASE DEFICIENCY; PCT, ''FAMILIAL'' TYPE. Identifiers: Orphanet 101330, Orphanet 443062, MedGen C0268323, MONDO:0008296, OMIM 176100.

Allele frequency attached by ClinVar (database versions not stated): 1000 Genomes Project 30x 0.00250; 1000 Genomes Project 0.00280; ESP Exome Variant Server 0.00354; TOPMed 0.00394; ExAC 0.00448; gnomAD exomes 0.00468 and 0.00660; gnomAD 0.00475 and 0.00476.
gnomAD v4.1: 10,260 of 1,614,164 alleles (0.64%); highest among the groups gnomAD compares: East Asian, 1.4%; 52 homozygotes.

Submissions (5):

CeGaT Center for Human Genetics Tuebingen
Classification: Benign. Last evaluated: 2026-07-01. Review status: criteria provided, single submitter. Criteria: CeGaT Center For Human Genetics Tuebingen Variant Classification Criteria Version 2. Collection method: clinical testing. Allele origin: germline. Affected: yes. Observed: 1 variant allele.
Comment: UROD: BP4, BP7, BS1, BS2

Labcorp Genetics (formerly Invitae), Labcorp
Classification: Benign. Last evaluated: 2026-01-13. Review status: criteria provided, single submitter. Criteria: Invitae Variant Classification Sherloc (09022015). Collection method: clinical testing. Allele origin: germline.

Mayo Clinic Laboratories, Mayo Clinic
Classification: Likely benign. Last evaluated: 2025-11-18. Review status: criteria provided, single submitter. Criteria: ACMG Guidelines, 2015. Collection method: clinical testing. Allele origin: germline. Observed: 7 variant alleles.
Comment: BS1, BP4, BP7

Illumina Laboratory Services, Illumina
Classification: Likely benign for Familial porphyria cutanea tarda. Last evaluated: 2018-01-13. Review status: criteria provided, single submitter. Criteria: ICSL Variant Classification Criteria 13 December 2019. Collection method: clinical testing. Allele origin: germline.
Comment: This variant was observed in the ICSL laboratory as part of a predisposition screen in an ostensibly healthy population. It had not been previously curated by ICSL or reported in the Human Gene Mutation Database (HGMD: prior to June 1st, 2018), and was therefore a candidate for classification through an automated scoring system. Utilizing variant allele frequency, disease prevalence and penetrance estimates, and inheritance mode, an automated score was calculated to assess if this variant is too frequent to cause the disease. Based on the score and internal cut-off values, a variant classified as likely benign is not then subjected to further curation. The score for this variant resulted in a classification of likely benign for this disease.

Breakthrough Genomics
Classification: Likely benign. Review status: criteria provided, single submitter. Criteria: ACMG Guidelines, 2015. Collection method: not provided. Allele origin: germline. Inheritance: Autosomal dominant inheritance. Affected: yes.

Literature cited by the submitters: PubMed 19233912 (cited by Mayo Clinic Laboratories, Mayo Clinic).

NM_000374.5(UROD):c.450G>A (p.Pro150=)

Gene: UROD (uroporphyrinogen decarboxylase; plus strand). Cytogenetic location: 1p34.1.
Variant type: single nucleotide variant.
Coding change: c.450G>A on transcript NM_000374.5 (MANE Select); coding-DNA position 450, G replaced by A.
Protein change: p.Pro150=; no amino-acid change (proline 150 retained).
Molecular consequence: synonymous variant. On other transcripts: non-coding transcript variant (3).
Genome position (GRCh38, 1-based): chr1:45,013,767, G>A. VCF-style: chr1-45013767-G-A. GRCh37 (hg19) VCF-style: chr1-45479439-G-A.
Other names: p.Pro150=.
Identifiers: ClinVar variation 297459 (VCV000297459.17), dbSNP rs2234479, ClinGen allele CA825246.